The following is an entry in ClinVar:

ClinVar aggregate classification (germline): Pathogenic/Likely pathogenic. Review status: criteria provided, multiple submitters, no conflicts (2 of 4 stars). 6 submissions from 6 submitters: Pathogenic (1); Likely pathogenic (5). Last evaluated 2025-08-22.

Conditions:
TYR-related disorder. Also called: TYR-related condition.
SKIN/HAIR/EYE PIGMENTATION 3, LIGHT/DARK SKIN (SHEP3). Also called: SKIN/HAIR/EYE PIGMENTATION, VARIATION IN, 3; EYE COLOR 1; EYE COLOR, GREEN/BLUE; SKIN/HAIR/EYE PIGMENTATION 3, BLUE/GREEN EYE COLOR; SKIN/HAIR/EYE PIGMENTATION 3, FRECKLING. Identifiers: MedGen C2677190, OMIM 601800.
Oculocutaneous albinism type 1B (OCA1B). Also called: ALBINISM, OCULOCUTANEOUS, TYPE IB; ALBINISM, YELLOW MUTANT TYPE; YELLOW ALBINISM. Identifiers: Orphanet 352731, Orphanet 352737, Orphanet 79434, MedGen C1847024, MONDO:0011749, OMIM 606952.
Oculocutaneous albinism type 1A (OCA1A). Also called: Albinism, oculocutaneous, type IA. Identifiers: Orphanet 352731, Orphanet 79431, MedGen C4551504, MONDO:0008745, OMIM 203100. Disease mechanism: loss of function.
Oculocutaneous albinism type 1. Also called: Albinism 1; ALBINISM I. Identifiers: Orphanet 352731, MedGen C0268494, MONDO:0018135. Disease mechanism: loss of function.

Allele frequency attached by ClinVar (database versions not stated): gnomAD exomes below 0.00001; gnomAD 0.00001.
gnomAD v4.1: 4 of 1,614,042 alleles (0.00025%); highest among the groups gnomAD compares: Admixed American, 0.0017%; no homozygotes.

Submissions (6):

Myriad Genetics, Inc.
Classification: Likely pathogenic for Oculocutaneous albinism type 1. Last evaluated: 2025-08-22. Review status: criteria provided, single submitter. Criteria: Myriad Autosomal Dominant, Autosomal Recessive and X-Linked Classification Criteria (2023). Collection method: clinical testing. Allele origin: unknown.
Comment: NM_000372.4(TYR):c.290G>T(G97V) is a missense variant classified as likely pathogenic in the context of oculocutaneous albinism, TYR-related. G97V has been observed in cases with relevant disease (PMID: 15381243, 27734839, 30472657). Relevant functional assessments of this variant are available in the literature (PMID: 27537549). G97V has not been observed in referenced population frequency databases. In summary, NM_000372.4(TYR):c.290G>T(G97V) is a missense variant that has functional support for pathogenicity and has been observed more frequently in cases with the relevant disease than in healthy populations. Please note: this variant was assessed in the context of healthy population screening.

Labcorp Genetics (formerly Invitae), Labcorp
Classification: Pathogenic. Last evaluated: 2024-08-21. Review status: criteria provided, single submitter. Criteria: Invitae Variant Classification Sherloc (09022015). Collection method: clinical testing. Allele origin: germline.
Comment: This sequence change replaces glycine, which is neutral and non-polar, with valine, which is neutral and non-polar, at codon 97 of the TYR protein (p.Gly97Val). This variant is present in population databases (no rsID available, gnomAD 0.01%). This missense change has been observed in individual(s) with ocular albinism (PMID: 15381243, 27734839). In at least one individual the data is consistent with being in trans (on the opposite chromosome) from a pathogenic variant. ClinVar contains an entry for this variant (Variation ID: 1442280). Invitae Evidence Modeling of protein sequence and biophysical properties (such as structural, functional, and spatial information, amino acid conservation, physicochemical variation, residue mobility, and thermodynamic stability) indicates that this missense variant is expected to disrupt TYR protein function with a positive predictive value of 80%. Experimental studies have shown that this missense change affects TYR function (PMID: 27537549). For these reasons, this variant has been classified as Pathogenic.

Fulgent Genetics
Classification: Likely pathogenic for Oculocutaneous albinism type 1A; SKIN/HAIR/EYE PIGMENTATION 3, LIGHT/DARK SKIN; Oculocutaneous albinism type 1B. Last evaluated: 2024-04-11. Review status: criteria provided, single submitter. Criteria: ACMG Guidelines, 2015. Collection method: clinical testing. Allele origin: germline.

Baylor Genetics
Classification: Likely pathogenic for SKIN/HAIR/EYE PIGMENTATION 3, LIGHT/DARK SKIN. Last evaluated: 2023-11-20. Review status: criteria provided, single submitter. Criteria: ACMG Guidelines, 2015. Collection method: clinical testing. Allele origin: unknown.

Blueprint Genetics
Classification: Likely pathogenic for TYR-related disorders. Last evaluated: 2022-09-27. Review status: criteria provided, single submitter. Criteria: ACMG Guidelines, 2015. Collection method: clinical testing. Allele origin: germline. Affected: yes. Observed: 4 variant alleles.

GeneDx
Classification: Likely pathogenic. Last evaluated: 2022-07-12. Review status: criteria provided, single submitter. Criteria: GeneDx Variant Classification Process June 2021. Collection method: clinical testing. Allele origin: germline. Affected: yes.
Comment: Published functional studies demonstrate a damaging effect with absent enzyme activity (Mondal et al., 2016); Observed with a second variant in an individual with OCA in the literature, and testing of one parent suggests the variants are likely present on opposite alleles (in trans) (Goto et al., 2004); Not observed at significant frequency in large population cohorts (gnomAD); In silico analysis supports that this missense variant has a deleterious effect on protein structure/function; This variant is associated with the following publications: (PMID: 27537549, 15381243)

Literature cited by the submitters: PubMed 15381243 (cited by Myriad Genetics, Inc. and Labcorp Genetics (formerly Invitae), Labcorp); PubMed 27537549 (cited by Myriad Genetics, Inc. and Labcorp Genetics (formerly Invitae), Labcorp); PubMed 27734839 (cited by Myriad Genetics, Inc. and Labcorp Genetics (formerly Invitae), Labcorp); PubMed 30472657 (cited by Myriad Genetics, Inc.).

NM_000372.5(TYR):c.290G>T (p.Gly97Val)

Gene: TYR (tyrosinase; plus strand). Cytogenetic location: 11q14.3.
Variant type: single nucleotide variant.
Coding change: c.290G>T on transcript NM_000372.5 (MANE Select); coding-DNA position 290, G replaced by T.
Protein change: p.Gly97Val; replaces glycine 97 with valine.
Molecular consequence: missense variant.
Genome position (GRCh38, 1-based): chr11:89,178,243, G>T. VCF-style: chr11-89178243-G-T. GRCh37 (hg19) VCF-style: chr11-88911411-G-T.
Other names: short protein forms G97V.
Identifiers: ClinVar variation 1442280 (VCV001442280.14), dbSNP rs1320376090, ClinGen allele CA382034075.